The following is an entry in ClinVar:

NM_005251.3(FOXC2):c.764C>A (p.Ser255Ter)

Gene: FOXC2 (forkhead box C2; plus strand). Cytogenetic location: 16q24.1.
Variant type: single nucleotide variant.
Coding change: c.764C>A on transcript NM_005251.3 (MANE Select); coding-DNA position 764, C replaced by A.
Protein change: p.Ser255Ter; replaces serine 255 with a stop codon.
Molecular consequence: nonsense.
Genome position (GRCh38, 1-based): chr16:86,568,099, C>A. VCF-style: chr16-86568099-C-A. GRCh37 (hg19) VCF-style: chr16-86601705-C-A.
Other names: short protein forms S255*.
Identifiers: ClinVar variation 4990060 (VCV004990060.1).

ClinVar aggregate classification (germline): Likely pathogenic (1 of 4 stars; one submission).

Conditions:
FOXC2-related disorder. Also called: FOXC2-related condition.

Submission:

PreventionGenetics, part of Exact Sciences
Classification: Likely pathogenic for FOXC2-related condition. Last evaluated: 2025-08-12. Review status: criteria provided, single submitter. Criteria: ACMG Guidelines, 2015. Collection method: clinical testing. Allele origin: germline.
Comment: The FOXC2 c.764C>A variant is predicted to result in premature protein termination (p.Ser255*). To our knowledge, this variant has not been reported in the literature or in a large population database (gnomAD), indicating this variant is rare. Nonsense variants in FOXC2 are expected to be pathogenic. This variant is interpreted as likely pathogenic.